The following is an entry in ClinVar:

ClinVar aggregate classification (germline): Likely benign. Review status: criteria provided, multiple submitters, no conflicts (2 of 4 stars). 2 submissions from 2 submitters: Likely benign (2). Last evaluated 2024-07-02.

Conditions:
Hereditary sensory neuropathy-deafness-dementia syndrome. Also called: NEUROPATHY, HEREDITARY SENSORY, WITH HEARING LOSS AND DEMENTIA; Hereditary Sensory and Autonomic Neuropathy Type 1E (HSAN1E); HSN IE; Hereditary sensory neuropathy type IE. Identifiers: Orphanet 456318, MedGen C3279885, MONDO:0013584, OMIM 614116.

gnomAD v4.1: 14 of 1,611,636 alleles (0.00087%); highest among the groups gnomAD compares: Middle Eastern, 0.099%; no homozygotes.

Submissions (2):

Women's Health and Genetics/Laboratory Corporation of America, LabCorp
Classification: Likely benign. Last evaluated: 2024-07-02. Review status: criteria provided, single submitter. Criteria: LabCorp Variant Classification Summary - May 2015. Collection method: clinical testing. Allele origin: germline.
Comment: Variant summary: DNMT1 c.80+13G>A alters a non-conserved nucleotide located at a position not widely known to affect splicing. Consensus agreement among computation tools predict no significant impact on normal splicing. However, these predictions have yet to be confirmed by functional studies. The variant allele was found at a frequency of 1.7e-05 in 240502 control chromosomes. The available data on variant occurrences in the general population are insufficient to allow any conclusion about variant significance. To our knowledge, no occurrence of c.80+13G>A in individuals affected with Hereditary Sensory Neuropathy-Deafness Syndrome and no experimental evidence demonstrating its impact on protein function have been reported. No submitters have cited clinical-significance assessments for this variant to ClinVar. Based on the evidence outlined above, the variant was classified as likely benign.

Labcorp Genetics (formerly Invitae), Labcorp
Classification: Likely benign for Hereditary sensory neuropathy-deafness-dementia syndrome. Last evaluated: 2024-05-06. Review status: criteria provided, single submitter. Criteria: Invitae Variant Classification Sherloc (09022015). Collection method: clinical testing. Allele origin: germline.

NM_001130823.3(DNMT1):c.80+13G>A

Genes: DNMT1 (DNA methyltransferase 1; minus strand), LOC130063472 (ATAC-STARR-seq lymphoblastoid silent region 10057; plus strand). Cytogenetic location: 19p13.2.
Variant type: single nucleotide variant.
Coding change: c.80+13G>A on transcript NM_001130823.3 (MANE Select); 13 bases into the intron after coding-DNA position 80, G replaced by A.
Molecular consequence: intron variant.
Genome position (GRCh38, 1-based): chr19:10,194,807, C>T on the plus strand (G>A on the coding strand, the complement: DNMT1 is on the minus strand). VCF-style: chr19-10194807-C-T. GRCh37 (hg19) VCF-style: chr19-10305483-C-T.
Other names: c.-244+13G>A (NM_001318731.2); c.80+13G>A (NM_001379.4, NM_001318730.2).
Identifiers: ClinVar variation 3339195 (VCV003339195.3).